The following is an entry in ClinVar:

NM_000939.4(POMC):c.283A>G (p.Ser95Gly)

Gene: POMC (proopiomelanocortin; minus strand). Cytogenetic location: 2p23.3.
Variant type: single nucleotide variant.
Coding change: c.283A>G on transcript NM_000939.4 (MANE Select); coding-DNA position 283, A replaced by G.
Protein change: p.Ser95Gly; replaces serine 95 with glycine.
Molecular consequence: missense variant.
Genome position (GRCh38, 1-based): chr2:25,161,602, T>C on the plus strand (A>G on the coding strand, the complement: POMC is on the minus strand). VCF-style: chr2-25161602-T-C. GRCh37 (hg19) VCF-style: chr2-25384471-T-C.
Other names: c.283A>G, p.Ser95Gly (NM_001035256.3, NM_001319204.2, NM_001319205.2); c.283A>G (NM_000939.3); short protein forms S95G.
Identifiers: ClinVar variation 896987 (VCV000896987.7), dbSNP rs550376110, ClinGen allele CA1555337.

ClinVar aggregate classification (germline): Uncertain significance. Review status: criteria provided, multiple submitters, no conflicts (2 of 4 stars). 5 submissions from 4 submitters: Uncertain significance (4). 1 of the submissions does not count toward it. Last evaluated 2024-06-22.

Conditions:
Inborn genetic diseases. Identifiers: MedGen C0950123, MeSH D030342.
Obesity. Also called: Obesity disorder. Identifiers: Orphanet 71529, MedGen C0028754, MeSH D009765, MONDO:0011122, HP:0001513.
Obesity due to pro-opiomelanocortin deficiency. Also called: Obesity, adrenal insufficiency, and red hair due to POMC deficiency; OBESITY, EARLY-ONSET, WITH ADRENAL INSUFFICIENCY AND RED HAIR; PROOPIOMELANOCORTIN DEFICIENCY. Identifiers: Orphanet 71526, MedGen C1857854, MONDO:0012335, OMIM 609734.
POMC-related disorder. Also called: POMC-related condition; POMC-related disorders.

Allele frequency attached by ClinVar (database versions not stated): ExAC 0.00006; 1000 Genomes Project 30x 0.00016; 1000 Genomes Project 0.00020; TOPMed 0.00034.
gnomAD v4.1: 87 of 1,555,452 alleles (0.0056%); highest among the groups gnomAD compares: African/African-American, 0.098%; no homozygotes.

Submissions (5):

Ambry Genetics
Classification: Uncertain significance for Inborn genetic diseases. Last evaluated: 2024-06-22. Review status: criteria provided, single submitter. Criteria: Ambry Variant Classification Scheme 2023. Collection method: clinical testing. Allele origin: germline.

Fulgent Genetics
Classification: Uncertain significance for Inherited obesity; Obesity due to pro-opiomelanocortin deficiency. Last evaluated: 2021-11-18. Review status: criteria provided, single submitter. Criteria: ACMG Guidelines, 2015. Collection method: clinical testing. Allele origin: unknown.

Illumina Laboratory Services, Illumina
Classification: Uncertain significance for Obesity due to pro-opiomelanocortin deficiency. Last evaluated: 2017-04-28. Review status: criteria provided, single submitter. Criteria: ICSL Variant Classification Criteria 13 December 2019. Collection method: clinical testing. Allele origin: germline.

Illumina Laboratory Services, Illumina
Classification: Uncertain significance for Inherited obesity. Last evaluated: 2017-04-28. Review status: criteria provided, single submitter. Criteria: ICSL Variant Classification Criteria 13 December 2019. Collection method: clinical testing. Allele origin: germline.

PreventionGenetics, part of Exact Sciences
Classification: Uncertain significance for POMC-related condition. Last evaluated: 2024-03-29. Review status: no assertion criteria provided. Collection method: clinical testing. Allele origin: germline. Not counted in ClinVar's aggregate classification.
Comment: The POMC c.283A>G variant is predicted to result in the amino acid substitution p.Ser95Gly. This variant was observed in a cohort of individuals with obesity, and in vitro functional studies showed inconclusive evidence of loss of function (Supplemental Data Set, Shah et al. 2023. PubMed ID: 36864747). This variant is reported in 0.075% of alleles in individuals of African descent in gnomAD, which is likely too frequent for a disease-causing variant. Although we suspect that this variant may be benign, at this time, the clinical significance of this variant is uncertain due to the absence of conclusive functional and genetic evidence.